The following is an entry in ClinVar:

NM_001174089.2(SLC4A11):c.453G>C (p.Glu151Asp)

Gene: SLC4A11 (solute carrier family 4 member 11; minus strand). Cytogenetic location: 20p13.
Variant type: single nucleotide variant.
Coding change: c.453G>C on transcript NM_001174089.2 (MANE Select); coding-DNA position 453, G replaced by C.
Protein change: p.Glu151Asp; replaces glutamic acid 151 with aspartic acid.
Molecular consequence: missense variant. On other transcripts: non-coding transcript variant (1).
Genome position (GRCh38, 1-based): chr20:3,234,153, C>G on the plus strand (G>C on the coding strand, the complement: SLC4A11 is on the minus strand). VCF-style: chr20-3234153-C-G. GRCh37 (hg19) VCF-style: chr20-3214799-C-G.
Other names: c.582G>C, p.Glu194Asp (NM_001174090.2); c.453G>C, p.Glu151Asp (NM_001363745.2); c.501G>C, p.Glu167Asp (NM_032034.4); short protein forms E167D, E151D, E194D.
Identifiers: ClinVar variation 899286 (VCV000899286.7), dbSNP rs141836046, ClinGen allele CA9742286.

ClinVar aggregate classification (germline): Uncertain significance. Review status: criteria provided, multiple submitters, no conflicts (2 of 4 stars). 4 submissions from 4 submitters: Uncertain significance (4). Last evaluated 2026-02-04.

Conditions:
Corneal dystrophy. Identifiers: Orphanet 34533, MedGen C0010036, MONDO:0018102, HP:0001131.
SLC4A11-related disorder. Also called: SLC4A11-related condition.

Allele frequency attached by ClinVar (database versions not stated): gnomAD 0.00030 and 0.00031; TOPMed 0.00030; ESP Exome Variant Server 0.00038; gnomAD exomes 0.00040 and 0.00041; ExAC 0.00054.
gnomAD v4.1: 632 of 1,614,018 alleles (0.039%); highest among the groups gnomAD compares: Non-Finnish European, 0.05%; no homozygotes.

Submissions (4):

PreventionGenetics, part of Exact Sciences
Classification: Uncertain significance for SLC4A11-related condition. Last evaluated: 2026-02-04. Review status: criteria provided, single submitter. Criteria: ACMG Guidelines, 2015. Collection method: clinical testing. Allele origin: germline.
Comment: The SLC4A11 c.501G>C variant is predicted to result in the amino acid substitution p.Glu167Asp. This variant was reported in an individual with Fuchs endothelial corneal dystrophy (Riazuddin et al. 2010. PubMed ID: 20848555; Alka et al. 2018. PubMed ID: 29327391). This variant is reported in 0.081% of alleles in individuals of European (Non-Finnish) descent in gnomAD. At this time, the clinical significance of this variant is uncertain due to the absence of conclusive functional and genetic evidence.

Women's Health and Genetics/Laboratory Corporation of America, LabCorp
Classification: Uncertain significance. Last evaluated: 2024-08-15. Review status: criteria provided, single submitter. Criteria: LabCorp Variant Classification Summary - May 2015. Collection method: clinical testing. Allele origin: germline.
Comment: Variant summary: SLC4A11 c.501G>C (p.Glu167Asp) results in a conservative amino acid change in the encoded protein sequence. Three of five in-silico tools predict a benign effect of the variant on protein function. The variant allele was found at a frequency of 0.0004 in 251356 control chromosomes. This frequency is not significantly higher than estimated for a pathogenic variant in SLC4A11 causing Corneal Dystrophy And Perceptive Deafness (0.0004 vs 0.0011), allowing no conclusion about variant significance. c.501G>C has been reported in the literature in the presumed heterozygous state in at least 1 individual affected with Fuch's Corneal Dystrophy (example, Riazuddin_2010), however with an insufficient genotype. These report(s) do not provide unequivocal conclusions about association of the variant with Corneal Dystrophy And Perceptive Deafness. At least one publication reports experimental evidence evaluating an impact on protein function. In vitro assessment found no significant difference in protein expression, maturation, or localization (example, Alka_2018, Riazuddin_2010). The following publications have been ascertained in the context of this evaluation (PMID: 29327391, 20848555). ClinVar contains an entry for this variant (Variation ID: 899286). Based on the evidence outlined above, the variant was classified as uncertain significance.

Labcorp Genetics (formerly Invitae), Labcorp
Classification: Uncertain significance. Last evaluated: 2022-08-12. Review status: criteria provided, single submitter. Criteria: Invitae Variant Classification Sherloc (09022015). Collection method: clinical testing. Allele origin: germline.
Comment: This sequence change replaces glutamic acid, which is acidic and polar, with aspartic acid, which is acidic and polar, at codon 167 of the SLC4A11 protein (p.Glu167Asp). This variant is present in population databases (rs141836046, gnomAD 0.08%). This missense change has been observed in individual(s) with Fuchs corneal dystrophy (PMID: 20848555). ClinVar contains an entry for this variant (Variation ID: 899286). Algorithms developed to predict the effect of missense changes on protein structure and function are either unavailable or do not agree on the potential impact of this missense change (SIFT: "Deleterious"; PolyPhen-2: "Benign"; Align-GVGD: "Class C0"). Experimental studies are conflicting or provide insufficient evidence to determine the effect of this variant on SLC4A11 function (PMID: 29327391). In summary, the available evidence is currently insufficient to determine the role of this variant in disease. Therefore, it has been classified as a Variant of Uncertain Significance.

Illumina Laboratory Services, Illumina
Classification: Uncertain significance for Corneal dystrophy. Last evaluated: 2017-04-27. Review status: criteria provided, single submitter. Criteria: ICSL Variant Classification Criteria 13 December 2019. Collection method: clinical testing. Allele origin: germline.

Literature cited by the submitters: PubMed 29327391 (cited by Women's Health and Genetics/Laboratory Corporation of America, LabCorp and Labcorp Genetics (formerly Invitae), Labcorp); PubMed 20848555 (cited by Women's Health and Genetics/Laboratory Corporation of America, LabCorp and Labcorp Genetics (formerly Invitae), Labcorp).